The following is an entry in ClinVar:

ClinVar aggregate classification (germline): Uncertain significance. Review status: criteria provided, multiple submitters, no conflicts (2 of 4 stars). 4 submissions from 4 submitters: Uncertain significance (3). 1 of the submissions does not count toward it. Last evaluated 2025-10-25.

Conditions:
Greenberg dysplasia (GRBGD). Also called: HEM SKELETAL DYSPLASIA; MOTH-EATEN SKELETAL DYSPLASIA; CHONDRODYSTROPHY, HYDROPIC AND PRENATALLY LETHAL TYPE. Identifiers: Orphanet 1426, MedGen C2931048, MONDO:0008974, OMIM 215140.
LBR-related disorder. Also called: LBR-related condition; LBR-related disorders.
Inborn genetic diseases. Identifiers: MedGen C0950123, MeSH D030342.

Allele frequency attached by ClinVar (database versions not stated): ESP Exome Variant Server 0.00008; gnomAD exomes 0.00012; gnomAD 0.00013 and 0.00014; ExAC 0.00014.
gnomAD v4.1: 206 of 1,614,034 alleles (0.013%); highest among the groups gnomAD compares: Non-Finnish European, 0.016%; no homozygotes.

Submissions (4):

Ambry Genetics
Classification: Uncertain significance for Inborn genetic diseases. Last evaluated: 2025-10-25. Review status: criteria provided, single submitter. Criteria: Ambry Variant Classification Scheme 2023. Collection method: clinical testing. Allele origin: germline.

Labcorp Genetics (formerly Invitae), Labcorp
Classification: Uncertain significance. Last evaluated: 2025-09-15. Review status: criteria provided, single submitter. Criteria: Invitae Variant Classification Sherloc (09022015). Collection method: clinical testing. Allele origin: germline.
Comment: This sequence change replaces arginine, which is basic and polar, with histidine, which is basic and polar, at codon 95 of the LBR protein (p.Arg95His). This variant is present in population databases (rs371428900, gnomAD 0.02%). This variant has not been reported in the literature in individuals affected with LBR-related conditions. ClinVar contains an entry for this variant (Variation ID: 1433839). An algorithm developed to predict the effect of missense changes on protein structure and function (PolyPhen-2) suggests that this variant is likely to be disruptive. In summary, the available evidence is currently insufficient to determine the role of this variant in disease. Therefore, it has been classified as a Variant of Uncertain Significance.

MGZ Medical Genetics Center
Classification: Uncertain significance for Greenberg dysplasia. Last evaluated: 2022-01-07. Review status: criteria provided, single submitter. Criteria: ACMG Guidelines, 2015. Collection method: clinical testing. Allele origin: germline. Affected: yes. Observed: 1 variant allele.
Comment: ACMG criteria applied: PM2_SUP, PP3

PreventionGenetics, part of Exact Sciences
Classification: Uncertain significance for LBR-related condition. Last evaluated: 2023-12-19. Review status: no assertion criteria provided. Collection method: clinical testing. Allele origin: germline. Not counted in ClinVar's aggregate classification.
Comment: The LBR c.284G>A variant is predicted to result in the amino acid substitution p.Arg95His. To our knowledge, this variant has not been reported in the literature. This variant is reported in 0.017% of alleles in individuals of European (Non-Finnish) descent in gnomAD. At this time, the clinical significance of this variant is uncertain due to the absence of conclusive functional and genetic evidence.

NM_002296.4(LBR):c.284G>A (p.Arg95His)

Gene: LBR (lamin B receptor; minus strand). Cytogenetic location: 1q42.12.
Variant type: single nucleotide variant.
Coding change: c.284G>A on transcript NM_002296.4 (MANE Select); coding-DNA position 284, G replaced by A.
Protein change: p.Arg95His; replaces arginine 95 with histidine.
Molecular consequence: missense variant.
Genome position (GRCh38, 1-based): chr1:225,422,159, C>T on the plus strand (G>A on the coding strand, the complement: LBR is on the minus strand). VCF-style: chr1-225422159-C-T. GRCh37 (hg19) VCF-style: chr1-225609861-C-T.
Other names: c.284G>A, p.Arg95His (NM_194442.3); c.284G>A (NM_002296.3); short protein forms R95H.
Identifiers: ClinVar variation 1433839 (VCV001433839.12), dbSNP rs371428900, ClinGen allele CA1417515.
Genomic context (GRCh38, chr1:225,422,159, plus strand): 5'-ACTTCCACTTCCCTCCTTGCTTCCTTAATGTCGGCCTGGTGGGAAGCAGAAGCAGATCGG[C>T]GGGCACTTTTAGGTGGTCGACCAGGGGATCGGGAGCGTGACCTTGATCGACTCCCTCGGC-3'
Protein context (NP_002287.2, residues 85-105): RSPGRPPKSA[Arg95His]RSASASHQAD